The following is an entry in ClinVar:

ClinVar aggregate classification (germline): Likely benign. Review status: criteria provided, multiple submitters, no conflicts (2 of 4 stars). 8 submissions from 8 submitters: Likely benign (8). Last evaluated 2026-06-01.

Conditions:
Ehlers-Danlos syndrome (EDS). Identifiers: Orphanet 98249, MedGen C0013720, MONDO:0020066.
Familial thoracic aortic aneurysm and aortic dissection (TAAD). Also called: Thoracic aortic aneurysms and dissections. Identifiers: Orphanet 91387, MedGen C4707243, MONDO:0019625.
Aneurysm-osteoarthritis syndrome. Also called: ANEURYSMS-OSTEOARTHRITIS SYNDROME; Loeys-Dietz syndrome, type 1C; LOEYS-DIETZ SYNDROME WITH OSTEOARTHRITIS; SMAD3-Related Loeys-Dietz Syndrome. Identifiers: Orphanet 284984, MedGen C3151087, MONDO:0013426, OMIM 613795.

Allele frequency attached by ClinVar (database versions not stated): TOPMed 0.00002; gnomAD 0.00003 and 0.00005; gnomAD exomes 0.00004 and 0.00005; ExAC 0.00007.
gnomAD v4.1: 65 of 1,614,142 alleles (0.004%); highest among the groups gnomAD compares: South Asian, 0.044%; 1 homozygote.

Submissions (8):

CeGaT Center for Human Genetics Tuebingen
Classification: Likely benign. Last evaluated: 2026-06-01. Review status: criteria provided, single submitter. Criteria: CeGaT Center For Human Genetics Tuebingen Variant Classification Criteria Version 2. Collection method: clinical testing. Allele origin: germline. Affected: yes. Observed: 1 variant allele.
Comment: SMAD3: BP4

Labcorp Genetics (formerly Invitae), Labcorp
Classification: Likely benign for Familial thoracic aortic aneurysm and aortic dissection. Last evaluated: 2025-12-08. Review status: criteria provided, single submitter. Criteria: Invitae Variant Classification Sherloc (09022015). Collection method: clinical testing. Allele origin: germline.

All of Us Research Program, National Institutes of Health
Classification: Likely benign for Aneurysm-osteoarthritis syndrome. Last evaluated: 2023-12-01. Review status: criteria provided, single submitter. Criteria: ACMG Guidelines, 2015. Collection method: clinical testing. Allele origin: germline. Inheritance: Autosomal dominant inheritance. Observed: 11 variant alleles, 11 heterozygotes.
Comment: This study involves interpretation of variants in research participants for the purpose of population health screening. Participant phenotype was not available at the time of variant classification. Additional details can be found in publication PMID: 35346344, PMCID: PMC8962531

Ambry Genetics
Classification: Likely benign for Familial thoracic aortic aneurysm and aortic dissection. Last evaluated: 2021-10-20. Review status: criteria provided, single submitter. Criteria: Ambry Variant Classification Scheme 2023. Collection method: clinical testing. Allele origin: germline.

Genome Diagnostics Laboratory, The Hospital for Sick Children
Classification: Likely benign for Ehlers-Danlos syndrome. Last evaluated: 2018-10-01. Review status: criteria provided, single submitter. Criteria: ACMG Guidelines, 2015. Collection method: clinical testing. Allele origin: germline.

Color Diagnostics, LLC DBA Color Health
Classification: Likely benign for Familial thoracic aortic aneurysm and aortic dissection. Last evaluated: 2018-09-28. Review status: criteria provided, single submitter. Criteria: ACMG Guidelines, 2015. Collection method: clinical testing. Allele origin: germline.

Illumina Laboratory Services, Illumina
Classification: Likely benign for Aneurysm-osteoarthritis syndrome. Last evaluated: 2017-04-28. Review status: criteria provided, single submitter. Criteria: ICSL Variant Classification Criteria 13 December 2019. Collection method: clinical testing. Allele origin: germline.
Comment: This variant was observed as part of a predisposition screen in an ostensibly healthy population. A literature search was performed for the gene, cDNA change, and amino acid change (where applicable). No publications were found based on this search. Allele frequency data from public databases allowed determination this variant is unlikely to cause disease. Therefore, this variant is classified as likely benign.

GeneDx
Classification: Likely benign. Last evaluated: 2016-02-15. Review status: criteria provided, single submitter. Criteria: GeneDx Variant Classification (06012015). Collection method: clinical testing. Allele origin: germline. Affected: yes.
Comment: This variant is considered likely benign or benign based on one or more of the following criteria: it is a conservative change, it occurs at a poorly conserved position in the protein, it is predicted to be benign by multiple in silico algorithms, and/or has population frequency not consistent with disease.

Literature cited by the submitters: PubMed 30787465 (cited by Ambry Genetics).

NM_005902.4(SMAD3):c.1102C>A (p.Arg368=)

Gene: SMAD3 (SMAD family member 3; plus strand). Cytogenetic location: 15q22.33.
Variant type: single nucleotide variant.
Coding change: c.1102C>A on transcript NM_005902.4 (MANE Select); coding-DNA position 1102, C replaced by A.
Protein change: p.Arg368=; no amino-acid change (arginine 368 retained).
Molecular consequence: synonymous variant.
Genome position (GRCh38, 1-based): chr15:67,187,457, C>A. VCF-style: chr15-67187457-C-A. GRCh37 (hg19) VCF-style: chr15-67479795-C-A.
Other names: c.787C>A, p.Arg263= (NM_001145102.2); c.970C>A, p.Arg324= (NM_001145103.2); c.517C>A, p.Arg173= (NM_001145104.2).
Identifiers: ClinVar variation 264036 (VCV000264036.46), dbSNP rs757106110, ClinGen allele CA061596.